The following is an entry in ClinVar:

ClinVar aggregate classification (germline): Uncertain significance. Review status: criteria provided, multiple submitters, no conflicts (2 of 4 stars). 10 submissions from 10 submitters: Uncertain significance (5). 5 of the submissions do not count toward it. Last evaluated 2024-02-28.

Conditions:
Tip-toe gait. Also called: Toe walking. Identifiers: MedGen C0427144, HP:0030051.

Allele frequency attached by ClinVar (database versions not stated): TOPMed 0.00001; ExAC 0.00002; gnomAD 0.00002 and 0.00003; gnomAD exomes 0.00002.
gnomAD v4.1: 41 of 1,613,996 alleles (0.0025%); highest among the groups gnomAD compares: Middle Eastern, 0.16%; no homozygotes.

Submissions (10):

Blueprint Genetics
Classification: Uncertain significance. Last evaluated: 2024-02-28. Review status: criteria provided, single submitter. Criteria: ACMG Guidelines, 2015. Collection method: clinical testing. Allele origin: germline.

Mayo Clinic Laboratories, Mayo Clinic
Classification: Uncertain significance. Last evaluated: 2022-07-20. Review status: criteria provided, single submitter. Criteria: ACMG Guidelines, 2015. Collection method: clinical testing. Allele origin: germline. Observed: 2 variant alleles.

Revvity Omics, Revvity
Classification: Uncertain significance. Last evaluated: 2021-06-10. Review status: criteria provided, single submitter. Criteria: ACMG Guidelines, 2015. Collection method: clinical testing. Allele origin: germline.

Eurofins Ntd Llc (ga)
Classification: Uncertain significance. Last evaluated: 2017-10-02. Review status: criteria provided, single submitter. Criteria: EGL Classification Definitions 2015. Collection method: clinical testing. Allele origin: germline. Observed: 1 variant allele, 1 heterozygote.

Laboratory for Molecular Medicine, Mass General Brigham Personalized Medicine
Classification: Uncertain significance. Last evaluated: 2014-02-27. Review status: criteria provided, single submitter. Criteria: LMM Criteria. Collection method: clinical testing. Allele origin: germline. Observed: 2 variant alleles.
Comment: The Ile32620Leu variant in TTN has now been identified by our laboratory in 1 in dividual with HCM and 1 individual with ARVC/DCM. It was absent from large popul ation studies. Computational prediction tools and conservation analysis do not p rovide strong support for or against an impact to the protein. Additional inform ation is needed to fully assess the clinical significance of the Ile32620Leu var iant.

Clinical Genetics DNA and cytogenetics Diagnostics Lab, Erasmus MC, Erasmus Medical Center
Classification: Uncertain significance. Review status: no assertion criteria provided. Collection method: clinical testing. Allele origin: germline. Affected: yes. Study: VKGL Data-share Consensus. Not counted in ClinVar's aggregate classification.

Clinical Genetics, Academic Medical Center
Classification: Uncertain significance. Review status: no assertion criteria provided. Collection method: clinical testing. Allele origin: germline. Affected: yes. Study: VKGL Data-share Consensus. Not counted in ClinVar's aggregate classification.

Genome Diagnostics Laboratory, University Medical Center Utrecht
Classification: Uncertain significance. Review status: no assertion criteria provided. Collection method: clinical testing. Allele origin: germline. Affected: yes. Study: VKGL Data-share Consensus. Not counted in ClinVar's aggregate classification.

Joint Genome Diagnostic Labs from Nijmegen and Maastricht, Radboudumc and MUMC+
Classification: Uncertain significance. Review status: no assertion criteria provided. Collection method: clinical testing. Allele origin: germline. Affected: yes. Study: VKGL Data-share Consensus. Not counted in ClinVar's aggregate classification.

Practice for Gait Abnormalities, David Pomarino, Competency Network Toe Walking C/o Practice Pomarino
Classification: Likely pathogenic for Tip-toe gait. Review status: no assertion criteria provided. Collection method: clinical testing. Allele origin: germline. Affected: yes. Not counted in ClinVar's aggregate classification.
Comment: Myopathy refers to diseases that affect skeletal Muscles. These diseases attack muscle fibers, making muscles weak. Inherited myopathies are often caused by inheriting an abnormal gene mutation from a parent that causes the disease. Symptoms of congenital myopathies usually start at birth or in early childhood, but may not appear until the teen years or even later in adulthood. Congenital myopathies are somewhat unique compared with other inherited myopathies, as weakness typically affects all muscles and is often not progressive. Symptoms are: Muscle weakness, most commonly of upper arms and shoulders and thighs, muscle cramps, stiffness and spasms, fatigue with exertion and lack of energy. Our patients all walk on tiptoe, so they show similar symptoms. When we genetically test them with our toe walking panel, we find that around 90 per cent of them have a genetic variant that explains their toe walking. These can be assigned, for example, to the area of myopathies (such as variants of the COL6A3 gene), the area of hereditary neuropathies (such as variants of the KMT2C gene) or the area of metabolic diseases (such as variants of the PYGM gene). In a smaller group of patients with almost identical symptoms, no abnormality is found in the genes of our panel, but spastic paraplegia can be detected. In another small group of our toe walkers, no abnormalities can be detected in the genes analysed in our toe walking panel, nor do they suffer from spastic paraplegia, as is also the case with healthy children. In contrast to these, however, they show a tiptoe gait. These patients suffer from infantile cerebral palsy, in which toe walking can also be observed.

Literature cited by the submitters: PubMed 32746448 (cited by Mayo Clinic Laboratories, Mayo Clinic); PubMed 37091313 (cited by Practice for Gait Abnormalities, David Pomarino, Competency Network Toe Walking C/o Practice Pomarino).

NM_001267550.2(TTN):c.105562A>C (p.Ile35188Leu)

Genes: TTN-AS1 (TTN antisense RNA 1; plus strand), TTN (titin; minus strand), LOC129935184 (ATAC-STARR-seq lymphoblastoid active region 16809; plus strand). Cytogenetic location: 2q31.2.
Variant type: single nucleotide variant.
Coding change: c.105562A>C on transcript NM_001267550.2 (MANE Select); coding-DNA position 105562, A replaced by C.
Protein change: p.Ile35188Leu; replaces isoleucine 35188 with leucine.
Molecular consequence: missense variant.
Genome position (GRCh38, 1-based): chr2:178,531,053, T>G on the plus strand (A>C on the coding strand, the complement: TTN is on the minus strand). VCF-style: chr2-178531053-T-G. GRCh37 (hg19) VCF-style: chr2-179395780-T-G.
Other names: p.Ile33547Leu; c.97858A>C, p.Ile32620Leu (NM_133378.4); c.100639A>C, p.Ile33547Leu (NM_001256850.1); c.78367A>C, p.Ile26123Leu (NM_003319.4); c.78742A>C, p.Ile26248Leu (NM_133432.3); c.78943A>C, p.Ile26315Leu (NM_133437.4); short protein forms I32620L, I35188L, I33547L, I26123L, I26248L, I26315L.
Identifiers: ClinVar variation 178854 (VCV000178854.21), dbSNP rs727504491, ClinGen allele CA183161.
Genomic context (GRCh38, chr2:178,531,053, plus strand): 5'-CTTCACTGTTTTCTACCACCACGCTGTAATTGCCCTCATCGGAAGCCTGGACTGAAGAGA[T>G]CTCAAAGGTTGATTTGTACTTTGTGGTGGTCACTTGGTGGCGGGCAGAAGTACTTAGCAC-3'
Protein context (NP_001254479.2, residues 35178-35198): TTTKYKSTFE[Ile35188Leu]SSVQASDEGN